The following is an entry in ClinVar:

NM_000059.4(BRCA2):c.5557dup (p.Cys1853fs)

Gene: BRCA2 (BRCA2 DNA repair associated; plus strand). Cytogenetic location: 13q13.1.
Variant type: Duplication.
Coding change: c.5557dup on transcript NM_000059.4 (MANE Select); coding-DNA position 5557, one base duplicated (T; older notation c.5557dupT).
Protein change: p.Cys1853fs; shifts the reading frame from cysteine 1853.
Molecular consequence: frameshift variant.
Genome position (GRCh38, 1-based): chr13:32,339,912, T duplicated; the last of 3 consecutive T bases (chr13:32,339,910-32,339,912); duplicating any one gives the same sequence. VCF-style (leftmost placement, unchanged base first): chr13-32339909-G-GT. GRCh37 (hg19) VCF-style: chr13-32914046-G-GT.
Other names: c.5557dupT (NM_000059.3); short protein forms C1853fs.
Identifiers: ClinVar variation 280750 (VCV000280750.18), dbSNP rs587782011, ClinGen allele CA10603292.
Genomic context (GRCh38, chr13:32,339,909, plus strand): 5'-TCTAATAGTAATAATTTTGAGGTAGGGCCACCTGCATTTAGGATAGCCAGTGGTAAAATC[G>GT]TTTGTGTTTCACATGAAACAATTAAAAAAGTGAAAGACATATTTACAGACAGTTTCAGTA-3'

ClinVar aggregate classification (germline): Pathogenic. Review status: reviewed by expert panel (3 of 4 stars). 6 submissions from 6 submitters: Pathogenic (1). 5 of the submissions do not count toward it. Last evaluated 2017-12-15.

Conditions:
BRCA2-related disorder. Also called: BRCA2-related condition; BRCA2-related disorders. Identifiers: MedGen CN239275.
Hereditary breast ovarian cancer syndrome. Also called: Breast and ovarian cancer; Hereditary breast and ovarian cancer; Hereditary breast and ovarian cancer syndrome; Hereditary breast and ovarian cancer syndrome (HBOC); BRCA1- and BRCA2-Associated Hereditary Breast and Ovarian Cancer; Hereditary breast and/or ovarian cancer syndrome. Identifiers: Orphanet 145, MedGen C0677776, MeSH D061325, MONDO:0003582. Disease mechanism: loss of function.
Breast-ovarian cancer, familial, susceptibility to, 2 (BROVCA2). Also called: BRCA2 Hereditary Breast and Ovarian Cancer. Identifiers: Orphanet 145, MedGen C2675520, MONDO:0012933, OMIM 612555. Disease mechanism: loss of function.
Breast carcinoma. Also called: Carcinoma of breast. Identifiers: MedGen C0678222, MONDO:0004989, HP:0003002.

Submissions (6):

Evidence-based Network for the Interpretation of Germline Mutant Alleles (ENIGMA)
Classification: Pathogenic for Breast-ovarian cancer, familial, susceptibility to, 2. Last evaluated: 2017-12-15. Review status: reviewed by expert panel. Criteria: ENIGMA BRCA1/2 Classification Criteria (2017-06-29). Collection method: curation. Allele origin: germline. Study: ENIGMA.
Comment: Variant allele predicted to encode a truncated non-functional protein.

Labcorp Genetics (formerly Invitae), Labcorp
Classification: Pathogenic for Hereditary breast ovarian cancer syndrome. Last evaluated: 2023-08-24. Review status: criteria provided, single submitter. Criteria: Invitae Variant Classification Sherloc (09022015). Collection method: clinical testing. Allele origin: germline. Not counted in ClinVar's aggregate classification.
Comment: For these reasons, this variant has been classified as Pathogenic. ClinVar contains an entry for this variant (Variation ID: 280750). This premature translational stop signal has been observed in individual(s) with breast cancer (PMID: 30720863). This variant is not present in population databases (gnomAD no frequency). This sequence change creates a premature translational stop signal (p.Cys1853Leufs*5) in the BRCA2 gene. It is expected to result in an absent or disrupted protein product. Loss-of-function variants in BRCA2 are known to be pathogenic (PMID: 20104584).

Blueprint Genetics
Classification: Pathogenic for BRCA2-related disorders. Last evaluated: 2023-04-28. Review status: criteria provided, single submitter. Criteria: ACMG Guidelines, 2015. Collection method: clinical testing. Allele origin: germline. Affected: yes. Observed: 1 variant allele. Not counted in ClinVar's aggregate classification.

GeneKor MSA
Classification: Pathogenic. Last evaluated: 2021-01-09. Review status: criteria provided, single submitter. Criteria: ACMG Guidelines, 2015. Collection method: clinical testing. Allele origin: germline. Not counted in ClinVar's aggregate classification.
Comment: This variant is a single base pair insertion in exon 11 of the BRCA2 mRNA, causing a frameshift after codon 1853 and this creates a premature translational stop signal 5 amino acid residues later. This is expected to result in an absent or disrupted protein product. Truncating variants in BRCA2 are known to be pathogenic (PMID: 20104584). This variant has been described in the international literature in individuals undergoing panel testing for hereditary syndrome (PMID: 31159747). The mutation database ClinVar contains entries for this variant (Variation ID: 280750).

GeneDx
Classification: Pathogenic. Last evaluated: 2016-07-26. Review status: criteria provided, single submitter. Criteria: GeneDx Variant Classification (06012015). Collection method: clinical testing. Allele origin: germline. Affected: yes. Not counted in ClinVar's aggregate classification.
Comment: The c.5557dupT pathogenic variant in the BRCA2 gene has not been reported previously as a pathogenic variant nor as a benign variant, to our knowledge. The c.5557dupT variant causes a frameshift starting with codon Cysteine 1853, changes this amino acid to a Leucine residue, and creates a premature Stop codon at position 5 of the new reading frame, denoted p.Cys1853LeufsX5. This variant is predicted to cause loss of normal protein function either through protein truncation or nonsense-mediated mRNA decay. The c.5557dupT variant was not observed in approximately 6500 individuals of European and African American ancestry in the NHLBI Exome Sequencing Project, indicating it is not a common benign variant in these populations. We interpret c.5557dupT as an expected pathogenic variant.

Medical Genetics Laboratory, Umraniye Training and Research Hospital, University of Health Sciences
Classification: Pathogenic for Breast carcinoma. Last evaluated: 2021-09-12. Review status: no assertion criteria provided. Collection method: clinical testing. Allele origin: germline. Inheritance: Autosomal dominant inheritance. Affected: yes. Observed: 1 heterozygote. Not counted in ClinVar's aggregate classification.

Literature cited by the submitters: PubMed 30720863 (cited by Labcorp Genetics (formerly Invitae), Labcorp); PubMed 20104584 (cited by Labcorp Genetics (formerly Invitae), Labcorp).